The following is an entry in ClinVar:

ClinVar aggregate classification (germline): Likely pathogenic. Review status: criteria provided, single submitter (1 of 4 stars). 2 submissions from 2 submitters: Likely pathogenic (1). 1 of the submissions does not count toward it. Last evaluated 2021-05-06.

Conditions:
Marfan syndrome (MFS). Also called: Marfan syndrome type 1; Marfan syndrome, classic; Marfan's syndrome; FBN1-Related Marfan Syndrome; MARFAN SYNDROME, TYPE I. Identifiers: Orphanet 284963, Orphanet 558, MedGen C0024796, MONDO:0007947, OMIM 154700.

Submissions (2):

Victorian Clinical Genetics Services, Murdoch Childrens Research Institute
Classification: Likely pathogenic for Marfan syndrome. Last evaluated: 2021-05-06. Review status: criteria provided, single submitter. Criteria: ACMG Guidelines, 2015. Collection method: clinical testing. Allele origin: germline.
Comment: Based on the classification scheme VCGS_Germline_v1.3.3, this variant is classified as likely pathogenic. Following criteria are met: 0103 - Dominant negative and loss of function are known mechanisms of disease in this gene and are associated with FBN1-related disease. Variants predicted to result in nonsense mediated decay cause loss of function effects, and are more commonly associated with severe Marfan syndrome. Missense with both dominant negative and loss of function effects on protein function, are also associated with causing Marfan syndrome and ectopia lentis (OMIM, PMID: 29357934). The exact genotype-phenotype correlation for this gene is still unclear, and compounded by variable expressivity (GeneReviews). (I) 0108 - This gene is associated with both recessive and dominant disease. Patients with a recessive form of disease have Marfan syndrome; however, there are very few reports (OMIM). (I) 0115 - Variants in this gene are known to have variable expressivity. The genotype-phenotype correlations for this gene are unclear, with single variants reported in patients with a range of phenotypes (GeneReviews, OMIM). (I) 0216 - In-frame insertion/deletion in a non-repetitive region that has uninformative conservation. (SP) 0251 - This variant is heterozygous. (I) 0301 - Variant is absent from gnomAD (both v2 and v3). (SP) 0600 - Variant is located in the annotated calcium-binding EGF-like (10) domain (UniProt). (I) 0705 - No comparable in-frame deletion variants have previous evidence for pathogenicity. (I) 0802 - This variant has moderate previous evidence of pathogenicity in unrelated individuals. (SP) 0905 - No published segregation evidence has been identified for this variant. (I) 1007 - No published functional evidence has been identified for this variant. (SP) Legend: (SP) - Supporting pathogenic, (I) - Information, (SB) - Supporting benign

Center for Medical Genetics Ghent, University of Ghent
Classification: Likely pathogenic for Marfan syndrome. Last evaluated: 2017-11-07. Review status: no assertion criteria provided. Collection method: clinical testing. Allele origin: germline. Affected: yes. Not counted in ClinVar's aggregate classification.

Literature cited by the submitters: PubMed 11700157 (cited by Victorian Clinical Genetics Services, Murdoch Childrens Research Institute); PubMed 29357934 (cited by Victorian Clinical Genetics Services, Murdoch Childrens Research Institute).

NM_000138.5(FBN1):c.1843_1845del (p.Asn615del)

Gene: FBN1 (fibrillin 1; minus strand). Cytogenetic location: 15q21.1.
Variant type: Deletion.
Coding change: c.1843_1845del on transcript NM_000138.5 (MANE Select); coding-DNA positions 1843 to 1845, 3 bases deleted (AAC; older notation c.1843_1845delAAC).
Protein change: p.Asn615del; deletes asparagine 615.
Molecular consequence: inframe deletion.
Genome position (GRCh38, 1-based): chr15:48,505,140-48,505,142, GTT deleted on the plus strand (AAC on the coding strand, the reverse complement: FBN1 is on the minus strand). VCF-style (leftmost placement, unchanged base first): chr15-48505139-CGTT-C. GRCh37 (hg19) VCF-style: chr15-48797336-CGTT-C.
Other names: c.1843_1845delAAC (NM_000138.4); short protein forms N615del.
Identifiers: ClinVar variation 549053 (VCV000549053.2), dbSNP rs1555399837, ClinGen allele CA658824473.
Genomic context (GRCh38, chr15:48,505,139, plus strand): 5'-TGTAGGAGCCATCAGTGTTGACGCAACGCCCATTCATGCAGATCCCAGGGGTTTCACACT[CGTT>C]AATGTCTGTGGCAGAGAAAGGCACTTATTAAAAATGAAGTGACATTTATCTAAAATTATA-3'